The following is an entry in ClinVar:

NM_014804.3(KIAA0753):c.1553G>A (p.Arg518His)

Gene: KIAA0753 (KIAA0753; minus strand). Cytogenetic location: 17p13.1.
Variant type: single nucleotide variant.
Coding change: c.1553G>A on transcript NM_014804.3 (MANE Select); coding-DNA position 1553, G replaced by A.
Protein change: p.Arg518His; replaces arginine 518 with histidine.
Molecular consequence: missense variant. On other transcripts: non-coding transcript variant (3).
Genome position (GRCh38, 1-based): chr17:6,610,153, C>T on the plus strand (G>A on the coding strand, the complement: KIAA0753 is on the minus strand). VCF-style: chr17-6610153-C-T. GRCh37 (hg19) VCF-style: chr17-6513473-C-T.
Other names: c.1553G>A (NM_014804.2); c.656G>A, p.Arg219His (NM_001351225.2); short protein forms R219H, R518H.
Identifiers: ClinVar variation 1614738 (VCV001614738.11), dbSNP rs543617353, ClinGen allele CA8330434.

ClinVar aggregate classification (germline): Benign/Likely benign. Review status: criteria provided, multiple submitters, no conflicts (2 of 4 stars). 3 submissions from 3 submitters: Benign (1); Likely benign (1). 1 of the submissions does not count toward it. Last evaluated 2025-11-20.

Conditions:
KIAA0753-related disorder.

Allele frequency attached by ClinVar (database versions not stated): gnomAD 0.00005; gnomAD exomes 0.00008 and 0.00039; TOPMed 0.00014; 1000 Genomes Project 0.00020; 1000 Genomes Project 30x 0.00031; ExAC 0.00034.

Submissions (3):

Labcorp Genetics (formerly Invitae), Labcorp
Classification: Likely benign. Last evaluated: 2025-11-20. Review status: criteria provided, single submitter. Criteria: Invitae Variant Classification Sherloc (09022015). Collection method: clinical testing. Allele origin: germline.

Blueprint Genetics
Classification: Benign. Last evaluated: 2024-01-09. Review status: criteria provided, single submitter. Criteria: ACMG Guidelines, 2015. Collection method: clinical testing. Allele origin: germline.

PreventionGenetics, part of Exact Sciences
Classification: Likely benign for KIAA0753-related condition. Last evaluated: 2022-04-04. Review status: no assertion criteria provided. Collection method: clinical testing. Allele origin: germline. Not counted in ClinVar's aggregate classification.
Comment: This variant is classified as likely benign based on ACMG/AMP sequence variant interpretation guidelines (Richards et al. 2015 PMID: 25741868, with internal and published modifications).